The following is an entry in ClinVar:

NM_001009944.3(PKD1):c.6868del (p.Asp2290fs)

Gene: PKD1 (polycystin 1, transient receptor potential channel interacting; minus strand). Cytogenetic location: 16p13.3.
Variant type: Deletion.
Coding change: c.6868del on transcript NM_001009944.3 (MANE Select); coding-DNA position 6868, one base deleted (G; older notation c.6868delG).
Protein change: p.Asp2290fs; shifts the reading frame from aspartic acid 2290.
Molecular consequence: frameshift variant.
Genome position (GRCh38, 1-based): chr16:2,108,299, C deleted on the plus strand (G on the coding strand, the reverse complement: PKD1 is on the minus strand). VCF-style (leftmost placement, unchanged base first): chr16-2108298-TC-T. GRCh37 (hg19) VCF-style: chr16-2158299-TC-T.
Other names: c.6868del, p.Asp2290fs (NM_000296.4); short protein forms D2290fs.
Identifiers: ClinVar variation 4819679 (VCV004819679.1).

ClinVar aggregate classification (germline): Pathogenic (1 of 4 stars; one submission).

Conditions:
Polycystic kidney disease, adult type (PKD1). Also called: Polycystic Kidney Disease 1, Autosomal Dominant; Polycystic kidney disease 1; Polycystic kidney disease 1, severe; POLYCYSTIC KIDNEY DISEASE 1 WITH OR WITHOUT POLYCYSTIC LIVER DISEASE; POLYCYSTIC KIDNEY DISEASE, ADULT, TYPE I; Polycystic Kidney, Autosomal Dominant. Identifiers: MedGen C3149841, MONDO:0008263, OMIM 173900.

Submission:

Kasturba Medical College, Manipal, Kasturba Medical College, Manipal, Manipal Academy of Higher Education, Manipal, India
Classification: Pathogenic for Polycystic kidney disease, adult type. Last evaluated: 2026-03-25. Review status: criteria provided, single submitter. Criteria: ACMG Guidelines, 2015. Collection method: research. Allele origin: unknown. Inheritance: Autosomal dominant inheritance. Affected: yes. Observed: 1 variant allele, 1 heterozygote.
Comment: This variant is absent in the gnomAD (v4.1.0) population database and our in-house cohort of 3999 individuals. This variant is predicted to cause shift in the reading frame and premature termination of the transcript, which may either lead to the nonsense-mediated mRNA decay or formation of a truncated protein product.